The following is an entry in ClinVar:

ClinVar aggregate classification (germline): Uncertain significance. Review status: criteria provided, multiple submitters, no conflicts (2 of 4 stars). 2 submissions from 2 submitters: Uncertain significance (2). Last evaluated 2023-05-10.

Conditions:
Inborn genetic diseases. Identifiers: MedGen C0950123, MeSH D030342.
Perlman syndrome (PRLMNS). Identifiers: Orphanet 2849, MedGen C0796113, MONDO:0009965, OMIM 267000.

Allele frequency attached by ClinVar (database versions not stated): gnomAD 0.00001; TOPMed 0.00001.
gnomAD v4.1: 9 of 1,607,954 alleles (0.00056%); highest among the groups gnomAD compares: East Asian, 0.0045%; no homozygotes.

Submissions (2):

Labcorp Genetics (formerly Invitae), Labcorp
Classification: Uncertain significance for Perlman syndrome. Last evaluated: 2023-05-10. Review status: criteria provided, single submitter. Criteria: Invitae Variant Classification Sherloc (09022015). Collection method: clinical testing. Allele origin: germline.
Comment: In summary, the available evidence is currently insufficient to determine the role of this variant in disease. Therefore, it has been classified as a Variant of Uncertain Significance. Advanced modeling of protein sequence and biophysical properties (such as structural, functional, and spatial information, amino acid conservation, physicochemical variation, residue mobility, and thermodynamic stability) performed at Invitae indicates that this missense variant is not expected to disrupt DIS3L2 protein function. ClinVar contains an entry for this variant (Variation ID: 2191970). This variant has not been reported in the literature in individuals affected with DIS3L2-related conditions. The frequency data for this variant in the population databases is considered unreliable, as metrics indicate poor data quality at this position in the gnomAD database. This sequence change replaces alanine, which is neutral and non-polar, with valine, which is neutral and non-polar, at codon 718 of the DIS3L2 protein (p.Ala718Val).

Ambry Genetics
Classification: Uncertain significance for Inborn genetic diseases. Last evaluated: 2023-01-31. Review status: criteria provided, single submitter. Criteria: Ambry General Variant Classification Scheme_2022. Collection method: clinical testing. Allele origin: germline.

NM_152383.5(DIS3L2):c.2153C>T (p.Ala718Val)

Gene: DIS3L2 (DIS3 like 3'-5' exoribonuclease 2; plus strand). Cytogenetic location: 2q37.1.
Variant type: single nucleotide variant.
Coding change: c.2153C>T on transcript NM_152383.5 (MANE Select); coding-DNA position 2153, C replaced by T.
Protein change: p.Ala718Val; replaces alanine 718 with valine.
Molecular consequence: missense variant. On other transcripts: non-coding transcript variant (2), intron variant (1).
Genome position (GRCh38, 1-based): chr2:232,333,982, C>T. VCF-style: chr2-232333982-C-T. GRCh37 (hg19) VCF-style: chr2-233198692-C-T.
Other names: c.1582-9363C>T (NM_001257281.2); short protein forms A718V.
Identifiers: ClinVar variation 2191970 (VCV002191970.5), dbSNP rs1378940492, ClinGen allele CA350977585.